The following is an entry in ClinVar:

NM_002454.3(MTRR):c.223G>T (p.Glu75Ter)

Gene: MTRR (5-methyltetrahydrofolate-homocysteine methyltransferase reductase; plus strand). Cytogenetic location: 5p15.31.
Variant type: single nucleotide variant.
Coding change: c.223G>T on transcript NM_002454.3 (MANE Select); coding-DNA position 223, G replaced by T.
Protein change: p.Glu75Ter; replaces glutamic acid 75 with a stop codon.
Molecular consequence: nonsense. On other transcripts: non-coding transcript variant (8).
Genome position (GRCh38, 1-based): chr5:7,873,466, G>T. VCF-style: chr5-7873466-G-T. GRCh37 (hg19) VCF-style: chr5-7873579-G-T.
Other names: c.223G>T, p.Glu75Ter (NM_024010.4, NM_001364440.2, NM_001364441.2 and 1 more transcripts); short protein forms E75*.
Identifiers: ClinVar variation 3642011 (VCV003642011.2).
Genomic context (GRCh38, chr5:7,873,466, plus strand): 5'-GTTGTGGTTTCTACCACGGGCACCGGAGACCCACCCGACACAGCCCGCAAGTTTGTTAAG[G>T]AAATACAGAACCAAACACTGCCGGTTGATTTCTTTGCTCACCTGCGGTATGGGTTACTGG-3'

ClinVar aggregate classification (germline): Pathogenic (1 of 4 stars; one submission).

Conditions:
Methylcobalamin deficiency type cblE (HMAE). Also called: HOMOCYSTINURIA-MEGALOBLASTIC ANEMIA, cblE COMPLEMENTATION TYPE; VITAMIN B12-RESPONSIVE HOMOCYSTINURIA, cblE TYPE; HOMOCYSTINURIA-MEGALOBLASTIC ANEMIA, cblE TYPE. Identifiers: Orphanet 2169, Orphanet 622, MedGen C1856057, MONDO:0009354, OMIM 236270.

Submission:

Labcorp Genetics (formerly Invitae), Labcorp
Classification: Pathogenic for Methylcobalamin deficiency type cblE. Last evaluated: 2024-02-19. Review status: criteria provided, single submitter. Criteria: Invitae Variant Classification Sherloc (09022015). Collection method: clinical testing. Allele origin: germline.
Comment: This sequence change creates a premature translational stop signal (p.Glu75*) in the MTRR gene. It is expected to result in an absent or disrupted protein product. Loss-of-function variants in MTRR are known to be pathogenic (PMID: 15714522). This variant is not present in population databases (gnomAD no frequency). This variant has not been reported in the literature in individuals affected with MTRR-related conditions. Algorithms developed to predict the effect of sequence changes on RNA splicing suggest that this variant may disrupt the consensus splice site. For these reasons, this variant has been classified as Pathogenic.

Literature cited by the submitters: PubMed 15714522.